The following is an entry in ClinVar:

NM_001447.3(FAT2):c.8371A>G (p.Asn2791Asp)

Genes: FAT2 (FAT atypical cadherin 2; minus strand), SLC36A1 (solute carrier family 36 member 1; plus strand). Cytogenetic location: 5q33.1.
Variant type: single nucleotide variant.
Coding change: c.8371A>G on transcript NM_001447.3 (MANE Select); coding-DNA position 8371, A replaced by G.
Protein change: p.Asn2791Asp; replaces asparagine 2791 with aspartic acid.
Molecular consequence: missense variant.
Genome position (GRCh38, 1-based): chr5:151,542,756, T>C on the plus strand (A>G on the coding strand, the complement: FAT2 is on the minus strand). VCF-style: chr5-151542756-T-C. GRCh37 (hg19) VCF-style: chr5-150922317-T-C.
Other names: short protein forms N2791D.
Identifiers: ClinVar variation 4874566 (VCV004874566.2).

ClinVar aggregate classification (germline): Uncertain significance (1 of 4 stars; one submission).

Submission:

CeGaT Center for Human Genetics Tuebingen
Classification: Uncertain significance. Last evaluated: 2026-04-01. Review status: criteria provided, single submitter. Criteria: CeGaT Center For Human Genetics Tuebingen Variant Classification Criteria Version 2. Collection method: clinical testing. Allele origin: germline. Affected: yes. Observed: 1 variant allele.
Comment: FAT2: PM2, PP2